The following is an entry in ClinVar:

ClinVar aggregate classification (germline): Uncertain significance (1 of 4 stars; one submission).

Conditions:
Aortic valve disease 2 (AOVD2). Identifiers: MedGen C3542024, MONDO:0013902, OMIM 614823.

Submission:

Labcorp Genetics (formerly Invitae), Labcorp
Classification: Uncertain significance for Aortic valve disease 2. Last evaluated: 2025-11-10. Review status: criteria provided, single submitter. Criteria: Invitae Variant Classification Sherloc (09022015). Collection method: clinical testing. Allele origin: germline.
Comment: This sequence change is expected to alter the c-terminus of the SMAD6 protein (p.Asn372Trpfs*166). While this is not anticipated to result in nonsense mediated decay, it is expected to disrupt the last 125 amino acid(s) of the SMAD6 protein and extend the protein by 40 additional amino acid residues. This variant is not present in population databases (gnomAD no frequency). This variant has not been reported in the literature in individuals affected with SMAD6-related conditions. Experimental studies and prediction algorithms are not available or were not evaluated, and the functional significance of this variant is currently unknown. In summary, the available evidence is currently insufficient to determine the role of this variant in disease. Therefore, it has been classified as a Variant of Uncertain Significance.

NM_005585.5(SMAD6):c.1114_1117del (p.Asn372fs)

Gene: SMAD6 (SMAD family member 6; plus strand). Cytogenetic location: 15q22.31.
Variant type: Deletion.
Coding change: c.1114_1117del on transcript NM_005585.5 (MANE Select); coding-DNA positions 1114 to 1117, 4 bases deleted (AACC; older notation c.1114_1117delAACC).
Protein change: p.Asn372fs; shifts the reading frame from asparagine 372.
Molecular consequence: frameshift variant. On other transcripts: non-coding transcript variant (1).
Genome position (GRCh38, 1-based): chr15:66,781,158-66,781,161, AACC deleted; deleting any 4 consecutive bases within chr15:66,781,157-66,781,161 gives the same sequence; the c. name uses the placement nearest the transcript's 3' end. VCF-style (leftmost placement, unchanged base first): chr15-66781156-TCAAC-T. GRCh37 (hg19) VCF-style: chr15-67073494-TCAAC-T.
Other names: short protein forms N372fs.
Identifiers: ClinVar variation 4730863 (VCV004730863.1).
Genomic context (GRCh38, chr15:66,781,156, plus strand): 5'-ACCAGGCCGTCAGCATCTTCTACGACCTACCTCAGGGCAGCGGCTTCTGCCTGGGCCAGC[TCAAC>T]CTGGAGCAGCGCAGCGAGTCGGTGCGGCGAACGCGCAGCAAGATCGGCTTCGGCATCCTG-3'